The following is an entry in ClinVar:

ClinVar aggregate classification (germline): Uncertain significance (1 of 4 stars; one submission).

gnomAD v4.1: 1 of 1,612,870 alleles (0.000062%); highest among the groups gnomAD compares: Non-Finnish European, 0.000085%; no homozygotes.

Submission:

GeneDx
Classification: Uncertain significance. Last evaluated: 2023-11-15. Review status: criteria provided, single submitter. Criteria: GeneDx Variant Classification Process June 2021. Collection method: clinical testing. Allele origin: germline. Affected: yes.
Comment: Not observed at significant frequency in large population cohorts (gnomAD); Has not been previously published as pathogenic or benign to our knowledge; In silico analysis suggests this variant may impact gene splicing. In the absence of RNA/functional studies, the actual effect of this sequence change is unknown.

NM_020937.4(FANCM):c.2316+5G>C

Gene: FANCM (FA complementation group M; plus strand). Cytogenetic location: 14q21.2.
Variant type: single nucleotide variant.
Coding change: c.2316+5G>C on transcript NM_020937.4 (MANE Select); 5 bases into the intron after coding-DNA position 2316, G replaced by C.
Molecular consequence: intron variant.
Genome position (GRCh38, 1-based): chr14:45,173,215, G>C. VCF-style: chr14-45173215-G-C. GRCh37 (hg19) VCF-style: chr14-45642418-G-C.
Other names: c.2238+5G>C (NM_001308133.2).
Identifiers: ClinVar variation 3364374 (VCV003364374.1).